The following is an entry in ClinVar:

ClinVar aggregate classification (germline): Uncertain significance. Review status: criteria provided, multiple submitters, no conflicts (2 of 4 stars). 2 submissions from 2 submitters: Uncertain significance (2). Last evaluated 2023-06-06.

Conditions:
Inborn genetic diseases. Identifiers: MedGen C0950123, MeSH D030342.

Allele frequency attached by ClinVar (database versions not stated): gnomAD exomes below 0.00001; TOPMed below 0.00001; gnomAD 0.00001.
gnomAD v4.1: 2 of 1,613,364 alleles (0.00012%); highest among the groups gnomAD compares: East Asian, 0.0022%; no homozygotes.

Submissions (2):

GeneDx
Classification: Uncertain significance. Last evaluated: 2023-06-06. Review status: criteria provided, single submitter. Criteria: GeneDx Variant Classification Process June 2021. Collection method: clinical testing. Allele origin: germline. Affected: yes.
Comment: Has not been previously published as pathogenic or benign to our knowledge; Not observed at significant frequency in large population cohorts (gnomAD); In silico analysis supports that this missense variant does not alter protein structure/function

Ambry Genetics
Classification: Uncertain significance for Inborn genetic diseases. Last evaluated: 2018-04-24. Review status: criteria provided, single submitter. Criteria: Ambry Variant Classification Scheme 2023. Collection method: clinical testing. Allele origin: germline.
Comment: The p.V1943I variant (also known as c.5827G>A), located in coding exon 39 of the CACNA1A gene, results from a G to A substitution at nucleotide position 5827. The valine at codon 1943 is replaced by isoleucine, an amino acid with highly similar properties. This amino acid position is highly conserved in available vertebrate species. In addition, this alteration is predicted to be tolerated by in silico analysis. Since supporting evidence is limited at this time, the clinical significance of this alteration remains unclear.

NM_001127222.2(CACNA1A):c.5824G>A (p.Val1942Ile)

Gene: CACNA1A (calcium voltage-gated channel subunit alpha1 A; minus strand). Cytogenetic location: 19p13.13.
Variant type: single nucleotide variant.
Coding change: c.5824G>A on transcript NM_001127222.2 (MANE Select); coding-DNA position 5824, G replaced by A.
Protein change: p.Val1942Ile; replaces valine 1942 with isoleucine.
Molecular consequence: missense variant.
Genome position (GRCh38, 1-based): chr19:13,214,516, C>T on the plus strand (G>A on the coding strand, the complement: CACNA1A is on the minus strand). VCF-style: chr19-13214516-C-T. GRCh37 (hg19) VCF-style: chr19-13325330-C-T.
Other names: c.5842G>A, p.Val1948Ile (NM_000068.4, NM_023035.3); c.5827G>A, p.Val1943Ile (NM_001127221.2); c.5833G>A, p.Val1945Ile (NM_001174080.2); short protein forms V1945I, V1942I, V1943I, V1948I.
Identifiers: ClinVar variation 1749916 (VCV001749916.3), dbSNP rs1391437893, ClinGen allele CA404334315.